The following is an entry in ClinVar:

ClinVar aggregate classification (germline): Benign (1 of 4 stars; one submission).

Submission:

GeneDx
Classification: Benign. Last evaluated: 2018-06-15. Review status: criteria provided, single submitter. Criteria: GeneDx Variant Classification (06012015). Collection method: clinical testing. Allele origin: germline. Affected: yes.
Comment: This variant is considered likely benign or benign based on one or more of the following criteria: it is a conservative change, it occurs at a poorly conserved position in the protein, it is predicted to be benign by multiple in silico algorithms, and/or has population frequency not consistent with disease.

NM_014476.6(PDLIM3):c.330+249_330+250del

Gene: PDLIM3 (PDZ and LIM domain 3; minus strand). Cytogenetic location: 4q35.1.
Variant type: Deletion.
Coding change: c.330+249_330+250del on transcript NM_014476.6 (MANE Select); bases 249 to 250 of the intron after coding-DNA position 330, 2 bases deleted (CA; older notation c.330+249_330+250delCA).
Molecular consequence: intron variant.
Genome position (GRCh38, 1-based): chr4:185,523,112-185,523,113, TG deleted on the plus strand (CA on the coding strand, the reverse complement: PDLIM3 is on the minus strand); deleting any 2 consecutive bases within chr4:185,523,112-185,523,114 gives the same sequence; the c. name uses the placement nearest the transcript's 3' end. VCF-style (leftmost placement, unchanged base first): chr4-185523111-CTG-C. GRCh37 (hg19) VCF-style: chr4-186444265-CTG-C.
Other names: c.94-8776_94-8775del (NM_001257963.2); c.330+249_330+250del (NM_001257962.2, NM_001114107.5).
Identifiers: ClinVar variation 678567 (VCV000678567.1), dbSNP rs10595665, ClinGen allele CA112052165.